The following is an entry in ClinVar:

NM_001206927.2(DNAH8):c.11581G>A (p.Glu3861Lys)

Genes: DNAH8 (dynein axonemal heavy chain 8; plus strand), DNAH8-AS1 (DNAH8 antisense RNA 1; minus strand). Cytogenetic location: 6p21.2.
Variant type: single nucleotide variant.
Coding change: c.11581G>A on transcript NM_001206927.2 (MANE Select); coding-DNA position 11581, G replaced by A.
Protein change: p.Glu3861Lys; replaces glutamic acid 3861 with lysine.
Molecular consequence: missense variant.
Genome position (GRCh38, 1-based): chr6:38,937,991, G>A. VCF-style: chr6-38937991-G-A. GRCh37 (hg19) VCF-style: chr6-38905767-G-A.
Other names: c.10930G>A, p.Glu3644Lys (NM_001371.4); short protein forms E3644K, E3861K.
Identifiers: ClinVar variation 5007057 (VCV005007057.2).

ClinVar aggregate classification (germline): Uncertain significance (1 of 4 stars; one submission).

Conditions:
Spermatogenic failure 46. Identifiers: MedGen C5436799, MONDO:0033673, OMIM 619095.

gnomAD v4.1: 4 of 1,613,620 alleles (0.00025%); highest among the groups gnomAD compares: East Asian, 0.0022%; no homozygotes.

Submission:

Juno Genomics, Hangzhou Juno Genomics, Inc
Classification: Uncertain significance for Spermatogenic failure 46. Review status: criteria provided, single submitter. Criteria: ACMG Guidelines, 2015. Collection method: clinical testing. Allele origin: germline.
Comment: Absent from controls (or at extremely low frequency if recessive) in Genome Aggregation Database.